The following is an entry in ClinVar:

NC_000015.9:g.(?_55497705)_(55727276_?)dup

Genes: DNAAF4 (dynein axonemal assembly factor 4; minus strand), PIGB (phosphatidylinositol glycan anchor biosynthesis class B; plus strand), PIERCE2 (piercer of microtubule wall 2; plus strand), RAB27A (RAB27A, member RAS oncogene family; minus strand), CCPG1 (cell cycle progression 1; minus strand). Cytogenetic location: 15q21.3.
Variant type: Duplication.
Identifiers: ClinVar variation 2425177 (VCV002425177.3).

ClinVar aggregate classification (germline): Uncertain significance (1 of 4 stars; one submission).

Conditions:
Griscelli syndrome type 2 (GS2). Also called: PAID SYNDROME; PARTIAL ALBINISM AND IMMUNODEFICIENCY SYNDROME; GRISCELLI SYNDROME WITH HEMOPHAGOCYTIC SYNDROME. Identifiers: Orphanet 381, Orphanet 79477, MedGen C1868679, MONDO:0011872, OMIM 607624.

Submission:

Labcorp Genetics (formerly Invitae), Labcorp
Classification: Uncertain significance for Griscelli syndrome type 2. Last evaluated: 2022-07-06. Review status: criteria provided, single submitter. Criteria: Invitae Variant Classification Sherloc (09022015). Collection method: clinical testing. Allele origin: germline.
Comment: A copy number gain of the genomic region encompassing the full coding sequence of the RAB27A gene has been identified. The boundaries of this event are unknown as they extend beyond the assayed region for this gene and therefore may encompass additional genes. As the precise location of this event is unknown, it may be in tandem or it may be located elsewhere in the genome. This variant has not been reported in the literature in individuals affected with RAB27A-related conditions. Experimental studies and prediction algorithms are not available or were not evaluated, and the functional significance of this variant is currently unknown. In summary, the available evidence is currently insufficient to determine the role of this variant in disease. Therefore, it has been classified as a Variant of Uncertain Significance.